The following is an entry in ClinVar:

NM_007194.4(CHEK2):c.840A>G (p.Leu280=)

Gene: CHEK2 (checkpoint kinase 2; minus strand). Cytogenetic location: 22q12.1.
Variant type: single nucleotide variant.
Coding change: c.840A>G on transcript NM_007194.4 (MANE Select); coding-DNA position 840, A replaced by G.
Protein change: p.Leu280=; no amino-acid change (leucine 280 retained).
Molecular consequence: synonymous variant.
Genome position (GRCh38, 1-based): chr22:28,710,012, T>C on the plus strand (A>G on the coding strand, the complement: CHEK2 is on the minus strand). VCF-style: chr22-28710012-T-C. GRCh37 (hg19) VCF-style: chr22-29106000-T-C.
Other names: c.840A>G, p.Leu280= (NM_145862.3); c.969A>G, p.Leu323= (NM_001005735.3); c.177A>G, p.Leu59= (NM_001257387.3); c.639A>G, p.Leu213= (NM_001349956.3).
Identifiers: ClinVar variation 2019395 (VCV002019395.5), dbSNP rs2517942453, ClinGen allele CA513945122.

ClinVar aggregate classification (germline): Benign/Likely benign. Review status: criteria provided, multiple submitters, no conflicts (2 of 4 stars). 2 submissions from 2 submitters: Benign (1); Likely benign (1). Last evaluated 2024-10-03.

Conditions:
Familial cancer of breast. Also called: hereditary breast carcinoma; BREAST CANCER, FAMILIAL; Hereditary breast cancer. Identifiers: Orphanet 227535, MedGen C0346153, MONDO:0016419, OMIM 114480. Disease mechanism: loss of function.

Submissions (2):

Myriad Genetics, Inc.
Classification: Benign for Familial cancer of breast. Last evaluated: 2024-10-03. Review status: criteria provided, single submitter. Criteria: Myriad Autosomal Dominant, Autosomal Recessive and X-Linked Classification Criteria (2023). Collection method: clinical testing. Allele origin: unknown.
Comment: This variant is considered benign. This variant is a silent/synonymous amino acid change and it is not expected to impact splicing.

Labcorp Genetics (formerly Invitae), Labcorp
Classification: Likely benign for Familial cancer of breast. Last evaluated: 2022-09-19. Review status: criteria provided, single submitter. Criteria: Invitae Variant Classification Sherloc (09022015). Collection method: clinical testing. Allele origin: germline.